The following is an entry in ClinVar:

ClinVar aggregate classification (germline): Pathogenic (1 of 4 stars; one submission).

Conditions:
Nystagmus 6, congenital, X-linked (NYS6). Identifiers: MedGen C3151752, MONDO:0010435, OMIM 300814.
Ocular albinism, type I (OA1). Also called: X-linked recessive ocular albinism; Ocular Albinism type 1; Ocular albinism, type I, Nettleship-Falls type; NETTLESHIP-FALLS TYPE OCULAR ALBINISM. Identifiers: Orphanet 54, MedGen C0342684, MONDO:0021019, OMIM 300500.

Submission:

Laboratory of Genetic Epidemiology, Research Centre for Medical Genetics
Classification: Pathogenic for Nystagmus 6, congenital, X-linked; Ocular albinism, type I. Last evaluated: 2025-01-01. Review status: criteria provided, single submitter. Criteria: ACMG Guidelines, 2015. Collection method: clinical testing. Allele origin: maternal. Inheritance: Autosomal recessive inheritance. Affected: yes. Observed: 1 hemizygote.
Comment: This variant has been previously reported in the literature (PMIDs:21541274, 28339057) and is listed in gnomAD v3.1.2 in one male from East Asian. Taken together, the variant meets the following ACMG/AMP criteria and can be classified as pathogenic with PM2, PVS1, PP5 criteria.

Literature cited by the submitters: PubMed 21541274; PubMed 28339057; PubMed 41428507.

NM_000273.3(GPR143):c.333G>A (p.Trp111Ter)

Gene: GPR143 (G protein-coupled receptor 143; minus strand). Cytogenetic location: Xp22.2.
Variant type: single nucleotide variant.
Coding change: c.333G>A on transcript NM_000273.3 (MANE Select); coding-DNA position 333, G replaced by A.
Protein change: p.Trp111Ter; replaces tryptophan 111 with a stop codon.
Molecular consequence: nonsense.
Genome position (GRCh38, 1-based): chrX:9,760,744, C>T on the plus strand (G>A on the coding strand, the complement: GPR143 is on the minus strand). VCF-style: chrX-9760744-C-T. GRCh37 (hg19) VCF-style: chrX-9728784-C-T.
Other names: c.333G>A, p.Trp111Ter (NM_001440781.1); short protein forms W111*.
Identifiers: ClinVar variation 4077132 (VCV004077132.1).